The following is an entry in ClinVar:

ClinVar aggregate classification (germline): Pathogenic (1 of 4 stars; one submission).

Conditions:
Long QT syndrome (LQTS). Identifiers: MedGen C0023976, MeSH D008133, MONDO:0002442. Disease mechanism: loss of function. Inheritance: Various modes of inheritance.

Submission:

Labcorp Genetics (formerly Invitae), Labcorp
Classification: Pathogenic for Long QT syndrome. Last evaluated: 2023-07-14. Review status: criteria provided, single submitter. Criteria: Invitae Variant Classification Sherloc (09022015). Collection method: clinical testing. Allele origin: germline.
Comment: This sequence change affects the initiator methionine of the KCNH2 mRNA. The next in-frame methionine is located at codon 60. For these reasons, this variant has been classified as Pathogenic. This variant disrupts a region of the KCNH2 protein in which other variant(s) (p.Phe29Leu) have been determined to be pathogenic (PMID: 17088455, 26403377). This suggests that this is a clinically significant region of the protein, and that variants that disrupt it are likely to be disease-causing. ClinVar contains an entry for this variant (Variation ID: 1524546). Disruption of the initiator codon has been observed in individual(s) with clinical features of long QT syndrome (PMID: 20851114, 26669661). This variant is not present in population databases (gnomAD no frequency).

Literature cited by the submitters: PubMed 17088455; PubMed 26403377; PubMed 20851114; PubMed 26669661.

NM_000238.4(KCNH2):c.3G>A (p.Met1Ile)

Gene: KCNH2 (potassium voltage-gated channel subfamily H member 2; minus strand). Cytogenetic location: 7q36.1.
Variant type: single nucleotide variant.
Coding change: c.3G>A on transcript NM_000238.4 (MANE Select); coding-DNA position 3, G replaced by A.
Protein change: p.Met1Ile; changes the start codon (methionine 1).
Molecular consequence: missense variant, initiator codon variant.
Genome position (GRCh38, 1-based): chr7:150,977,911, C>T on the plus strand (G>A on the coding strand, the complement: KCNH2 is on the minus strand). VCF-style: chr7-150977911-C-T. GRCh37 (hg19) VCF-style: chr7-150674999-C-T.
Other names: c.3G>A, p.Met1Ile (NM_172056.3); short protein forms M1I.
Identifiers: ClinVar variation 1524546 (VCV001524546.9), dbSNP rs2117072816, ClinGen allele CA369866793.